The following is an entry in ClinVar:

ClinVar aggregate classification (germline): Conflicting classifications of pathogenicity. Review status: criteria provided, conflicting classifications (1 of 4 stars). 2 submissions from 2 submitters: Uncertain significance (1); Benign (1). Last evaluated 2025-10-08.

Allele frequency attached by ClinVar (database versions not stated): 1000 Genomes Project 30x 0.00062; 1000 Genomes Project 0.00080; TOPMed 0.00002; gnomAD exomes 0.00029; gnomAD 0.00013.
gnomAD v4.1: 440 of 1,613,688 alleles (0.027%); highest among the groups gnomAD compares: South Asian, 0.46%; 3 homozygotes.

Submissions (2):

Labcorp Genetics (formerly Invitae), Labcorp
Classification: Benign. Last evaluated: 2025-10-08. Review status: criteria provided, single submitter. Criteria: Invitae Variant Classification Sherloc (09022015). Collection method: clinical testing. Allele origin: germline.

Mayo Clinic Laboratories, Mayo Clinic
Classification: Uncertain significance. Last evaluated: 2024-04-12. Review status: criteria provided, single submitter. Criteria: ACMG Guidelines, 2015. Collection method: clinical testing. Allele origin: germline. Observed: 1 variant allele.
Comment: BS1

NM_005006.7(NDUFS1):c.2135A>G (p.Lys712Arg)

Gene: NDUFS1 (NADH:ubiquinone oxidoreductase core subunit S1; minus strand). Cytogenetic location: 2q33.3.
Variant type: single nucleotide variant.
Coding change: c.2135A>G on transcript NM_005006.7 (MANE Select); coding-DNA position 2135, A replaced by G.
Protein change: p.Lys712Arg; replaces lysine 712 with arginine.
Molecular consequence: missense variant.
Genome position (GRCh38, 1-based): chr2:206,124,234, T>C on the plus strand (A>G on the coding strand, the complement: NDUFS1 is on the minus strand). VCF-style: chr2-206124234-T-C. GRCh37 (hg19) VCF-style: chr2-206988958-T-C.
Other names: p.Lys712Arg; c.2027A>G, p.Lys676Arg (NM_001199981.2); c.1802A>G, p.Lys601Arg (NM_001199982.2); c.1964A>G, p.Lys655Arg (NM_001199983.2); c.2177A>G, p.Lys726Arg (NM_001199984.2); short protein forms K655R, K601R, K676R, K712R, K726R.
Identifiers: ClinVar variation 2766504 (VCV002766504.4), dbSNP rs576454844, ClinGen allele CA2070248.